The following is an entry in ClinVar:

NM_001382430.1(AKT1):c.979G>A (p.Gly327Ser)

Gene: AKT1 (AKT serine/threonine kinase 1; minus strand). Cytogenetic location: 14q32.33.
Variant type: single nucleotide variant.
Coding change: c.979G>A on transcript NM_001382430.1 (MANE Select); coding-DNA position 979, G replaced by A.
Protein change: p.Gly327Ser; replaces glycine 327 with serine.
Molecular consequence: missense variant.
Genome position (GRCh38, 1-based): chr14:104,773,071, C>T on the plus strand (G>A on the coding strand, the complement: AKT1 is on the minus strand). VCF-style: chr14-104773071-C-T. GRCh37 (hg19) VCF-style: chr14-105239408-C-T.
Other names: c.979G>A, p.Gly327Ser (NM_001014431.2, NM_001014432.2, NM_001382431.1 and 3 more transcripts); short protein forms G327S.
Identifiers: ClinVar variation 1768231 (VCV001768231.8), dbSNP rs1171160211, ClinGen allele CA391217360.
Genomic context (GRCh38, chr14:104,773,071, plus strand): 5'-GGCGACCGCACATCATCTCGTACATGACCACGCCCAGCCCCCACCAGTCCACTGCACGGC[C>T]GTAGTCATTGTCCTCCAGCACCTGCACGGGTGGCAGATGGGCAGGACTCGGCATCAAGGG-3'
Protein context (NP_001369359.1, residues 317-337): APEVLEDNDY[Gly327Ser]RAVDWWGLGV

ClinVar aggregate classification (germline): Uncertain significance. Review status: criteria provided, multiple submitters, no conflicts (2 of 4 stars). 2 submissions from 2 submitters: Uncertain significance (2). Last evaluated 2024-07-14.

Conditions:
Cowden syndrome 6 (CWS6). Identifiers: Orphanet 201, MedGen C3554519, MONDO:0014048, OMIM 615109.
Inborn genetic diseases. Identifiers: MedGen C0950123, MeSH D030342.

Allele frequency attached by ClinVar (database versions not stated): gnomAD 0.00001; TOPMed 0.00001.
gnomAD v4.1: 4 of 1,613,986 alleles (0.00025%); highest among the groups gnomAD compares: Middle Eastern, 0.016%; no homozygotes.

Submissions (2):

Ambry Genetics
Classification: Uncertain significance for Inborn genetic diseases. Last evaluated: 2024-07-14. Review status: criteria provided, single submitter. Criteria: Ambry Variant Classification Scheme 2023. Collection method: clinical testing. Allele origin: germline.
Comment: The p.G327S variant (also known as c.979G>A), located in coding exon 10 of the AKT1 gene, results from a G to A substitution at nucleotide position 979. The glycine at codon 327 is replaced by serine, an amino acid with similar properties. This amino acid position is conserved. In addition, this alteration is predicted to be tolerated by in silico analysis. Since supporting evidence is limited at this time, the clinical significance of this alteration remains unclear.

Labcorp Genetics (formerly Invitae), Labcorp
Classification: Uncertain significance for Cowden syndrome 6. Last evaluated: 2022-04-15. Review status: criteria provided, single submitter. Criteria: Invitae Variant Classification Sherloc (09022015). Collection method: clinical testing. Allele origin: germline.
Comment: This sequence change replaces glycine, which is neutral and non-polar, with serine, which is neutral and polar, at codon 327 of the AKT1 protein (p.Gly327Ser). This variant is present in population databases (no rsID available, gnomAD 0.0009%). This variant has not been reported in the literature in individuals affected with AKT1-related conditions. Algorithms developed to predict the effect of missense changes on protein structure and function are either unavailable or do not agree on the potential impact of this missense change (SIFT: "Tolerated"; PolyPhen-2: "Probably Damaging"; Align-GVGD: "Class C0"). In summary, the available evidence is currently insufficient to determine the role of this variant in disease. Therefore, it has been classified as a Variant of Uncertain Significance.